The following is an entry in ClinVar:

NM_005032.7(PLS3):c.426T>C (p.Asp142=)

Gene: PLS3 (plastin 3; plus strand). Cytogenetic location: Xq23.
Variant type: single nucleotide variant.
Coding change: c.426T>C on transcript NM_005032.7 (MANE Select); coding-DNA position 426, T replaced by C.
Protein change: p.Asp142=; no amino-acid change (aspartic acid 142 retained).
Molecular consequence: synonymous variant.
Genome position (GRCh38, 1-based): chrX:115,629,893, T>C. VCF-style: chrX-115629893-T-C. GRCh37 (hg19) VCF-style: chrX-114864205-T-C.
Other names: p.Asp142=; c.426T>C, p.Asp142= (NM_001136025.5, NM_001440791.1, NM_001440792.1); c.345T>C, p.Asp115= (NM_001172335.3); c.360T>C, p.Asp120= (NM_001282337.2); c.291T>C, p.Asp97= (NM_001282338.2).
Identifiers: ClinVar variation 4684534 (VCV004684534.1).

ClinVar aggregate classification (germline): Likely benign (1 of 4 stars; one submission).

gnomAD v4.1: 10 of 1,159,630 alleles (0.00086%); highest among the groups gnomAD compares: South Asian, 0.0037%; no homozygotes.

Submission:

Mayo Clinic Laboratories, Mayo Clinic
Classification: Likely benign. Last evaluated: 2025-11-19. Review status: criteria provided, single submitter. Criteria: ACMG Guidelines, 2015. Collection method: clinical testing. Allele origin: germline. Observed: 1 variant allele.
Comment: BP4, BP7